The following is an entry in ClinVar:

ClinVar aggregate classification (germline): Uncertain significance (1 of 4 stars; one submission).

gnomAD v4.1: 4 of 1,611,786 alleles (0.00025%); highest among the groups gnomAD compares: African/African-American, 0.004%; no homozygotes.

Submission:

Labcorp Genetics (formerly Invitae), Labcorp
Classification: Uncertain significance. Last evaluated: 2025-07-02. Review status: criteria provided, single submitter. Criteria: Invitae Variant Classification Sherloc (09022015). Collection method: clinical testing. Allele origin: germline.
Comment: This sequence change falls in intron 7 of the ITGAM gene. It does not directly change the encoded amino acid sequence of the ITGAM protein. It affects a nucleotide within the consensus splice site. The frequency data for this variant in the population databases is considered unreliable, as metrics indicate poor data quality at this position in the gnomAD database. This variant has not been reported in the literature in individuals affected with ITGAM-related conditions. ClinVar contains an entry for this variant (Variation ID: 3614938). Variants that disrupt the consensus splice site are a relatively common cause of aberrant splicing (PMID: 17576681, 9536098). Algorithms developed to predict the effect of sequence changes on RNA splicing suggest that this variant is not likely to affect RNA splicing. In summary, the available evidence is currently insufficient to determine the role of this variant in disease. Therefore, it has been classified as a Variant of Uncertain Significance.

Literature cited by the submitters: PubMed 17576681; PubMed 9536098.

NM_000632.4(ITGAM):c.705-3C>T

Genes: ITGAM (integrin subunit alpha M; plus strand), LOC126862332 (BRD4-independent group 4 enhancer GRCh37_chr16:31284654-31285853; plus strand). Cytogenetic location: 16p11.2.
Variant type: single nucleotide variant.
Coding change: c.705-3C>T on transcript NM_000632.4 (MANE Select); 3 bases into the intron before coding-DNA position 705, C replaced by T.
Molecular consequence: intron variant.
Genome position (GRCh38, 1-based): chr16:31,273,362, C>T. VCF-style: chr16-31273362-C-T. GRCh37 (hg19) VCF-style: chr16-31284683-C-T.
Other names: c.705-3C>T (NM_001145808.2).
Identifiers: ClinVar variation 3614938 (VCV003614938.2).